The following is an entry in ClinVar:

ClinVar aggregate classification (germline): Pathogenic/Likely pathogenic. Review status: criteria provided, multiple submitters, no conflicts (2 of 4 stars). 2 submissions from 2 submitters: Pathogenic (1); Likely pathogenic (1). Last evaluated 2025-12-14.

Conditions:
Intellectual disability, autosomal dominant 9 (NESCAVS). Also called: KIF1A-Related Neurodevelopmental Disorder; NESCAV SYNDROME. Identifiers: Orphanet 662367, MedGen C5393830, MONDO:0013656, OMIM 614255.
Neuropathy, hereditary sensory, type 2C. Also called: Hereditary sensory and autonomic neuropathy type IIC; KIF1A-Related HSAN2 (HSAN2C). Identifiers: Orphanet 970, MedGen C3280168, MONDO:0013634, OMIM 614213.
Hereditary spastic paraplegia 30. Identifiers: Orphanet 101010, MedGen C5235139, MONDO:0012476.

gnomAD v4.1: 1 of 1,541,064 alleles (0.000065%); highest among the groups gnomAD compares: Non-Finnish European, 0.000088%; no homozygotes.

Submissions (2):

Labcorp Genetics (formerly Invitae), Labcorp
Classification: Pathogenic for Hereditary spastic paraplegia 30; Neuropathy, hereditary sensory, type 2C; Intellectual disability, autosomal dominant 9. Last evaluated: 2025-12-14. Review status: criteria provided, single submitter. Criteria: Invitae Variant Classification Sherloc (09022015). Collection method: clinical testing. Allele origin: germline.
Comment: This sequence change creates a premature translational stop signal (p.Arg1346*) in the KIF1A gene. It is expected to result in an absent or disrupted protein product. Loss-of-function variants in KIF1A are known to be pathogenic (PMID: 21820098). This variant is not present in population databases (gnomAD no frequency). This variant has not been reported in the literature in individuals affected with KIF1A-related conditions. ClinVar contains an entry for this variant (Variation ID: 374775). For these reasons, this variant has been classified as Pathogenic.

CeGaT Center for Human Genetics Tuebingen
Classification: Likely pathogenic. Last evaluated: 2016-06-01. Review status: criteria provided, single submitter. Criteria: CeGaT Center For Human Genetics Tuebingen Variant Classification Criteria Version 2. Collection method: clinical testing. Allele origin: germline. Affected: yes. Observed: 1 variant allele.

Literature cited by the submitters: PubMed 21820098 (cited by Labcorp Genetics (formerly Invitae), Labcorp).

NM_001244008.2(KIF1A):c.4339C>T (p.Arg1447Ter)

Gene: KIF1A (kinesin family member 1A; minus strand). Cytogenetic location: 2q37.3.
Variant type: single nucleotide variant.
Coding change: c.4339C>T on transcript NM_001244008.2 (MANE Select); coding-DNA position 4339, C replaced by T.
Protein change: p.Arg1447Ter; replaces arginine 1447 with a stop codon.
Molecular consequence: nonsense.
Genome position (GRCh38, 1-based): chr2:240,723,538, G>A on the plus strand (C>T on the coding strand, the complement: KIF1A is on the minus strand). VCF-style: chr2-240723538-G-A. GRCh37 (hg19) VCF-style: chr2-241662955-G-A.
Other names: c.4063C>T, p.Arg1355Ter (NM_001320705.2, NM_001379649.1); c.4090C>T, p.Arg1364Ter (NM_001330289.2); c.4138C>T, p.Arg1380Ter (NM_001330290.2, NM_001379648.1); c.4414C>T, p.Arg1472Ter (NM_001379631.1); c.4315C>T, p.Arg1439Ter (NM_001379632.1); c.4312C>T, p.Arg1438Ter (NM_001379633.1, NM_001379645.1); c.4165C>T, p.Arg1389Ter (NM_001379634.1); c.4162C>T, p.Arg1388Ter (NM_001379635.1, NM_001379646.1); and 7 more; short protein forms R1346*, R1447*, R1364*, R1355*, R1380*, R1345*, R1354*, R1363*.
Identifiers: ClinVar variation 374775 (VCV000374775.46), dbSNP rs1057519240, ClinGen allele CA16043890.